The following is an entry in ClinVar:

NM_000070.3(CAPN3):c.1194-26C>G

Gene: CAPN3 (calpain 3; plus strand). Cytogenetic location: 15q15.1.
Variant type: single nucleotide variant.
Coding change: c.1194-26C>G on transcript NM_000070.3 (MANE Select); 26 bases into the intron before coding-DNA position 1194, C replaced by G.
Molecular consequence: intron variant.
Genome position (GRCh38, 1-based): chr15:42,399,466, C>G. VCF-style: chr15-42399466-C-G. GRCh37 (hg19) VCF-style: chr15-42691664-C-G.
Other names: c.1194-26C>G (NM_024344.2); c.1050-26C>G (NM_173087.2).
Identifiers: ClinVar variation 254857 (VCV000254857.6), dbSNP rs3743003, ClinGen allele CA7511284.
Genomic context (GRCh38, chr15:42,399,466, plus strand): 5'-TTGTGCTGTGTTAGTCCTGGGGTCTTCCGTTCCCAGCCCTCCTCACCTGCTCCCATATGG[C>G]TCTCTCTCTTCTTCCAACCTCTCAGGATGTCCTATGAGGATTTCATCTACCATTTCACAA-3'

ClinVar aggregate classification (germline): Benign. Review status: criteria provided, multiple submitters, no conflicts (2 of 4 stars). 5 submissions from 4 submitters: Benign (5). Last evaluated 2021-06-10.

Conditions:
Muscular dystrophy, limb-girdle, autosomal dominant 4. Also called: Calpain-3-related limb-girdle muscular dystrophy D4; MUSCULAR DYSTROPHY, LIMB-GIRDLE, TYPE 1I. Identifiers: Orphanet 565909, MedGen C4748295, MONDO:0029133, OMIM 618129.
Autosomal recessive limb-girdle muscular dystrophy type 2A (LGMDR1). Also called: Muscular dystrophy, limb-girdle, type 2A, Amish; LEYDEN-MOEBIUS MUSCULAR DYSTROPHY; MUSCULAR DYSTROPHY, PELVOFEMORAL; Limb-girdle muscular dystrophy, type 2A; Calpainopathy. Identifiers: Orphanet 267, MedGen C1869123, MONDO:0009675, OMIM 253600. Disease mechanism: loss of function.

Allele frequency attached by ClinVar (database versions not stated): gnomAD exomes 0.04738; gnomAD 0.13055; TOPMed 0.13617; ESP Exome Variant Server 0.13750; 1000 Genomes Project 0.15056.

Submissions (5):

Genome-Nilou Lab
Classification: Benign for Muscular dystrophy, limb-girdle, autosomal dominant 4. Last evaluated: 2021-06-10. Review status: criteria provided, single submitter. Criteria: ACMG Guidelines, 2015. Collection method: clinical testing. Allele origin: germline. Affected: no.

Genome-Nilou Lab
Classification: Benign for Autosomal recessive limb-girdle muscular dystrophy type 2A. Last evaluated: 2021-06-10. Review status: criteria provided, single submitter. Criteria: ACMG Guidelines, 2015. Collection method: clinical testing. Allele origin: germline. Affected: no.

GeneDx
Classification: Benign. Last evaluated: 2018-06-18. Review status: criteria provided, single submitter. Criteria: GeneDx Variant Classification (06012015). Collection method: clinical testing. Allele origin: germline. Affected: yes.
Comment: This variant is considered likely benign or benign based on one or more of the following criteria: it is a conservative change, it occurs at a poorly conserved position in the protein, it is predicted to be benign by multiple in silico algorithms, and/or has population frequency not consistent with disease.

Breakthrough Genomics
Classification: Benign. Review status: criteria provided, single submitter. Criteria: ACMG Guidelines, 2015. Collection method: not provided. Allele origin: germline. Inheritance: Autosomal recessive inheritance. Affected: yes.

PreventionGenetics, part of Exact Sciences
Classification: Benign. Review status: criteria provided, single submitter. Criteria: ACMG Guidelines, 2015. Collection method: clinical testing. Allele origin: germline.